The following is an entry in ClinVar:

ClinVar aggregate classification (germline): Uncertain significance (1 of 4 stars; one submission).

gnomAD v4.1: 1 of 1,613,734 alleles (0.000062%); highest among the groups gnomAD compares: Non-Finnish European, 0.000085%; no homozygotes.

Submission:

GeneDx
Classification: Uncertain significance. Last evaluated: 2024-01-10. Review status: criteria provided, single submitter. Criteria: GeneDx Variant Classification Process June 2021. Collection method: clinical testing. Allele origin: germline. Affected: yes.
Comment: Not observed at significant frequency in large population cohorts (gnomAD); In silico analysis supports that this missense variant does not alter protein structure/function; Has not been previously published as pathogenic or benign to our knowledge

NM_012301.4(MAGI2):c.1940T>C (p.Val647Ala)

Gene: MAGI2 (membrane associated guanylate kinase, WW and PDZ domain containing 2; minus strand). Cytogenetic location: 7q21.11.
Variant type: single nucleotide variant.
Coding change: c.1940T>C on transcript NM_012301.4 (MANE Select); coding-DNA position 1940, T replaced by C.
Protein change: p.Val647Ala; replaces valine 647 with alanine.
Molecular consequence: missense variant.
Genome position (GRCh38, 1-based): chr7:78,256,050, A>G on the plus strand (T>C on the coding strand, the complement: MAGI2 is on the minus strand). VCF-style: chr7-78256050-A-G. GRCh37 (hg19) VCF-style: chr7-77885367-A-G.
Other names: c.1940T>C, p.Val647Ala (NM_001301128.2); short protein forms V647A.
Identifiers: ClinVar variation 3342582 (VCV003342582.1).
Genomic context (GRCh38, chr7:78,256,050, plus strand): 5'-TTAAGTATATCCACTACTTCTGTATGGCTCAGGTTCTGTACATTCTGCTGGTTGATCTCA[A>G]CAATGAGGTCGCCTTCACACAGGCCAGGGCATCCCTGAATGTCAAGTATTTGTTTCACCC-3'
Protein context (NP_036433.2, residues 637-657): CPGLCEGDLI[Val647Ala]EINQQNVQNL